The following is an entry in ClinVar:

ClinVar aggregate classification (germline): Uncertain significance (1 of 4 stars; one submission).

Submission:

Greenwood Genetic Center Diagnostic Laboratories, Greenwood Genetic Center
Classification: Uncertain significance. Last evaluated: 2025-01-21. Review status: criteria provided, single submitter. Criteria: ACMG Guidelines, 2015. Collection method: clinical testing. Allele origin: germline.
Comment: PM2, BP4

NM_001081550.2(THOC2):c.4479A>G (p.Pro1493=)

Gene: THOC2 (THO complex subunit 2; minus strand). Cytogenetic location: Xq25.
Variant type: single nucleotide variant.
Coding change: c.4479A>G on transcript NM_001081550.2 (MANE Select); coding-DNA position 4479, A replaced by G.
Protein change: p.Pro1493=; no amino-acid change (proline 1493 retained).
Molecular consequence: synonymous variant.
Genome position (GRCh38, 1-based): chrX:123,613,679, T>C on the plus strand (A>G on the coding strand, the complement: THOC2 is on the minus strand). VCF-style: chrX-123613679-T-C. GRCh37 (hg19) VCF-style: chrX-122747530-T-C.
Other names: c.4560A>G, p.Pro1520= (NM_001441235.1); c.4479A>G, p.Pro1493= (NM_001441236.1).
Identifiers: ClinVar variation 4851756 (VCV004851756.1).